The following is an entry in ClinVar:

ClinVar aggregate classification (germline): Uncertain significance (1 of 4 stars; one submission).

Conditions:
Cardiovascular phenotype. Identifiers: MedGen CN230736.

Submission:

Ambry Genetics
Classification: Uncertain significance for Cardiovascular phenotype. Last evaluated: 2021-10-13. Review status: criteria provided, single submitter. Criteria: Ambry Variant Classification Scheme 2023. Collection method: clinical testing. Allele origin: germline.
Comment: The p.P519L variant (also known as c.1556C>T), located in coding exon 12 of the APOB gene, results from a C to T substitution at nucleotide position 1556. The proline at codon 519 is replaced by leucine, an amino acid with similar properties. This amino acid position is conserved. In addition, this alteration is predicted to be tolerated by in silico analysis. Since supporting evidence is limited at this time, the clinical significance of this alteration remains unclear.

NM_000384.3(APOB):c.1556C>T (p.Pro519Leu)

Gene: APOB (apolipoprotein B; minus strand). Cytogenetic location: 2p24.1.
Variant type: single nucleotide variant.
Coding change: c.1556C>T on transcript NM_000384.3 (MANE Select); coding-DNA position 1556, C replaced by T.
Protein change: p.Pro519Leu; replaces proline 519 with leucine.
Molecular consequence: missense variant.
Genome position (GRCh38, 1-based): chr2:21,029,700, G>A on the plus strand (C>T on the coding strand, the complement: APOB is on the minus strand). VCF-style: chr2-21029700-G-A. GRCh37 (hg19) VCF-style: chr2-21252572-G-A.
Other names: short protein forms P519L.
Identifiers: ClinVar variation 1775158 (VCV001775158.2), dbSNP rs2465425705, ClinGen allele CA346014999.